The following is an entry in ClinVar:

ClinVar aggregate classification (germline): Pathogenic (1 of 4 stars; one submission).

Conditions:
Glutaric aciduria, type 1. Also called: Glutaryl-CoA dehydrogenase deficiency; Glutaric acidemia type I; Glutaricacidemia Type 1; Glutaric Acidemia Type 1; GA I; Glutaricaciduria, type I. Identifiers: Orphanet 25, MedGen C0268595, MONDO:0009281, OMIM 231670.

Submission:

Labcorp Genetics (formerly Invitae), Labcorp
Classification: Pathogenic for Glutaric aciduria, type 1. Last evaluated: 2021-10-30. Review status: criteria provided, single submitter. Criteria: Invitae Variant Classification Sherloc (09022015). Collection method: clinical testing. Allele origin: germline.
Comment: For these reasons, this variant has been classified as Pathogenic. This premature translational stop signal has been observed in individual(s) with glutaric aciduria type I (PMID: 32777384). This variant is present in population databases (rs751287220, gnomAD 0.002%). This sequence change creates a premature translational stop signal (p.Ser246Glyfs*96) in the GCDH gene. It is expected to result in an absent or disrupted protein product. Loss-of-function variants in GCDH are known to be pathogenic (PMID: 10699052, 11854167, 16602100).

Literature cited by the submitters: PubMed 32777384; PubMed 10699052; PubMed 11854167; PubMed 16602100.

NM_000159.4(GCDH):c.736_737del (p.Ser246fs)

Gene: GCDH (glutaryl-CoA dehydrogenase; plus strand). Cytogenetic location: 19p13.13.
Variant type: Microsatellite.
Coding change: c.736_737del on transcript NM_000159.4 (MANE Select); coding-DNA positions 736 to 737, 2 bases deleted (TC; older notation c.736_737delTC).
Protein change: p.Ser246fs; shifts the reading frame from serine 246.
Molecular consequence: frameshift variant. On other transcripts: non-coding transcript variant (2).
Genome position (GRCh38, 1-based): chr19:12,896,305-12,896,306, TC deleted; deleting any 2 consecutive bases within chr19:12,896,301-12,896,306 gives the same sequence; the c. name uses the placement nearest the transcript's 3' end. VCF-style (leftmost placement, unchanged base first): chr19-12896300-GTC-G. GRCh37 (hg19) VCF-style: chr19-13007114-GTC-G.
Other names: c.736_737del, p.Ser246fs (NM_013976.5); short protein forms S246fs.
Identifiers: ClinVar variation 1457194 (VCV001457194.6), dbSNP rs751287220, ClinGen allele CA9234474.
Genomic context (GRCh38, chr19:12,896,300, plus strand): 5'-TGTGGGCTCGGTGTGAAGATGGCTGCATTCGGGGCTTCCTGCTGGAGAAGGGGATGCGGG[GTC>G]TCTCGGCCCCCAGGATCCAGGGCAAGTTCTCGCTGCGGGCCTCAGCCACAGGCATGATCA-3'